The following is an entry in ClinVar:

ClinVar aggregate classification (germline): Pathogenic. Review status: criteria provided, multiple submitters, no conflicts (2 of 4 stars). 13 submissions from 13 submitters: Pathogenic (12). 1 of the submissions does not count toward it. Last evaluated 2026-03-19.

Conditions:
PKD2-related disorder. Also called: PKD2-related condition.
Polycystic kidney disease 2 (PKD2). Also called: POLYCYSTIC KIDNEY DISEASE 2 WITH OR WITHOUT POLYCYSTIC LIVER DISEASE; POLYCYSTIC KIDNEY DISEASE, ADULT, TYPE II; Polycystic Kidney Disease 2, Autosomal Dominant. Identifiers: MedGen C2751306, MONDO:0013131, OMIM 613095.

Submissions (13):

Victorian Clinical Genetics Services, Murdoch Childrens Research Institute
Classification: Pathogenic for Polycystic kidney disease 2. Last evaluated: 2026-03-19. Review status: criteria provided, single submitter. Criteria: ACMG Guidelines, 2015. Collection method: clinical testing. Allele origin: germline. Affected: yes.
Comment: This variant is classified as Pathogenic. Evidence in support of pathogenic classification: Variant is predicted to cause nonsense-mediated decay (NMD) and loss of protein (premature termination codon is located at least 54 nucleotides upstream of the final exon-exon junction); Variant is present in gnomAD <0.001 for a dominant condition (v4: 11 heterozygote(s), 0 homozygote(s)); This variant has strong previous evidence of pathogenicity in unrelated individuals. This variant has been classified as pathogenic by multiple clinical laboratories in ClinVar; Other NMD-predicted variant(s) comparable to the one identified in this case have very strong previous evidence for pathogenicity (DECIPHER). Additional information: This variant is heterozygous; This gene is associated with autosomal dominant disease; Loss of function is a known mechanism of disease in this gene and is associated with polycystic kidney disease 2 (MIM#613095); Inheritance information for this variant is not currently available in this individual.

Medical and Scientific Branch, Hong Kong Genome Institute
Classification: Pathogenic for Polycystic kidney disease 2. Last evaluated: 2025-12-11. Review status: criteria provided, single submitter. Criteria: ACMG Guidelines, 2015. Collection method: clinical testing. Allele origin: germline. Affected: yes.

Equipe Genetique des Anomalies du Developpement, Université de Bourgogne
Classification: Pathogenic for Polycystic kidney disease 2. Last evaluated: 2025-01-17. Review status: criteria provided, single submitter. Criteria: ACMG Guidelines, 2015. Collection method: clinical testing. Allele origin: germline. Affected: yes.
Comment: The c.2159del variant is predicted to result in a premature stop codon in the gene PKD2. This variant is present 11 times in gnomAD (v4.1.0). It has been reported as pathogenic numerous times in ClinVar (VCV000440144.22) as well as in literature. Pathogenic monoallelic variants in the PKD2 gene are associated with an autosomal dominant form of polycystic kidney disease-2 (OMIM #613095). According to the available evidence, this variant is considered to be pathogenic.

PreventionGenetics, part of Exact Sciences
Classification: Pathogenic for PKD2-related condition. Last evaluated: 2024-11-19. Review status: criteria provided, single submitter. Criteria: ACMG Guidelines, 2015. Collection method: clinical testing. Allele origin: germline.
Comment: The PKD2 c.2159delA variant is predicted to result in a frameshift and premature protein termination (p.Asn720Ilefs*17). This variant has been reported to be pathogenic for autosomal dominant polycystic kidney disease (ADPKD) (see for example, Table S3, Bleyer et al. 2022. PubMed ID: 35325889). This variant has not been reported in a large population database (gnomAD), indicating this variant is rare. Frameshift variants in PKD2 are expected to be pathogenic. This variant is interpreted as pathogenic.

Blueprint Genetics
Classification: Pathogenic for PKD2-related disorders. Last evaluated: 2023-11-23. Review status: criteria provided, single submitter. Criteria: ACMG Guidelines, 2015. Collection method: clinical testing. Allele origin: germline. Affected: yes. Observed: 5 variant alleles.

Department of Pathology and Laboratory Medicine, Sinai Health System
Classification: Pathogenic for Polycystic kidney disease 2. Last evaluated: 2023-10-20. Review status: criteria provided, single submitter. Criteria: ACMG Guidelines, 2015. Collection method: clinical testing. Allele origin: germline. Affected: yes.

Mayo Clinic Laboratories, Mayo Clinic
Classification: Pathogenic. Last evaluated: 2023-08-16. Review status: criteria provided, single submitter. Criteria: ACMG Guidelines, 2015. Collection method: clinical testing. Allele origin: germline. Observed: 1 variant allele.
Comment: PP1_strong, PM2, PS4, PVS1

GeneDx
Classification: Pathogenic. Last evaluated: 2023-04-27. Review status: criteria provided, single submitter. Criteria: GeneDx Variant Classification Process June 2021. Collection method: clinical testing. Allele origin: germline. Affected: yes.
Comment: Frameshift variant predicted to result in protein truncation or nonsense mediated decay in a gene for which loss-of-function is a known mechanism of disease; Not observed at significant frequency in large population cohorts (gnomAD); This variant is associated with the following publications: (PMID: 34758253, 17582161, 9773786, 11156533, 22508176, 10411676, 10760080, 15717641, 25263802, 24658975, 12707387)

Fulgent Genetics
Classification: Pathogenic for Polycystic kidney disease 2. Last evaluated: 2021-06-30. Review status: criteria provided, single submitter. Criteria: ACMG Guidelines, 2015. Collection method: clinical testing. Allele origin: unknown.
Comment: This variant has been detected in individual(s) who were sent for testing of Renasight - kidney gene panel.

Athena Diagnostics
Classification: Pathogenic. Last evaluated: 2021-04-05. Review status: criteria provided, single submitter. Criteria: Athena Diagnostics criteria. Collection method: clinical testing. Allele origin: unknown.
Comment: This variant is expected to result in the loss of a functional protein. This variant has not been reported in large, multi-ethnic general populations. This variant has been identified in at least one individual with clinical features associated with this gene.

Greenwood Genetic Center Diagnostic Laboratories, Greenwood Genetic Center
Classification: Pathogenic. Last evaluated: 2020-11-16. Review status: criteria provided, single submitter. Criteria: ACMG Guidelines, 2015. Collection method: clinical testing. Allele origin: germline. Affected: yes.
Comment: PVS1, PP1, PM2, PS4_Moderate

ARUP Laboratories, Molecular Genetics and Genomics, ARUP Laboratories
Classification: Pathogenic. Last evaluated: 2016-09-13. Review status: criteria provided, single submitter. Criteria: ARUP Molecular Germline Variant Investigation Process. Collection method: clinical testing. Allele origin: germline.

Genomics England Pilot Project, Genomics England
Classification: Pathogenic for Polycystic kidney disease 2. Review status: no assertion criteria provided. Criteria: ACGS Guidelines, 2016. Collection method: clinical testing. Allele origin: germline. Affected: yes. Not counted in ClinVar's aggregate classification.

Literature cited by the submitters: PubMed 10411676 (cited by Mayo Clinic Laboratories, Mayo Clinic); PubMed 10760080 (cited by Mayo Clinic Laboratories, Mayo Clinic and Athena Diagnostics); PubMed 11156533 (cited by Mayo Clinic Laboratories, Mayo Clinic); PubMed 12707387 (cited by Mayo Clinic Laboratories, Mayo Clinic); PubMed 15717641 (cited by Mayo Clinic Laboratories, Mayo Clinic); PubMed 22508176 (cited by Mayo Clinic Laboratories, Mayo Clinic); PubMed 24658975 (cited by Mayo Clinic Laboratories, Mayo Clinic and Athena Diagnostics); PubMed 25263802 (cited by Mayo Clinic Laboratories, Mayo Clinic); PubMed 37268502 (cited by Mayo Clinic Laboratories, Mayo Clinic); PubMed 9773786 (cited by Mayo Clinic Laboratories, Mayo Clinic).

NM_000297.4(PKD2):c.2159del (p.Asn720fs)

Gene: PKD2 (polycystin 2, transient receptor potential cation channel; plus strand). Cytogenetic location: 4q22.1.
Variant type: Deletion.
Coding change: c.2159del on transcript NM_000297.4 (MANE Select); coding-DNA position 2159, one base deleted (A; older notation c.2159delA).
Protein change: p.Asn720fs; shifts the reading frame from asparagine 720.
Molecular consequence: frameshift variant. On other transcripts: non-coding transcript variant (1).
Genome position (GRCh38, 1-based): chr4:88,065,414, A deleted; the last of 8 consecutive A bases (chr4:88,065,407-88,065,414); deleting any one gives the same sequence. VCF-style (leftmost placement, unchanged base first): chr4-88065406-GA-G. GRCh37 (hg19) VCF-style: chr4-88986558-GA-G.
Other names: p.Asn720Ilefs*17; short protein forms N720fs.
Identifiers: ClinVar variation 440144 (VCV000440144.27), dbSNP rs757757289, ClinGen allele CA3004147.